The following is an entry in ClinVar:

ClinVar aggregate classification (germline): Uncertain significance (1 of 4 stars; one submission).

gnomAD v4.1: 1 of 1,544,034 alleles (0.000065%); highest among the groups gnomAD compares: Admixed American, 0.002%; no homozygotes.

Submission:

Ambry Genetics
Classification: Uncertain significance. Last evaluated: 2025-06-16. Review status: criteria provided, single submitter. Criteria: Ambry Variant Classification Scheme 2023. Collection method: clinical testing. Allele origin: germline.
Comment: The p.V1837L variant (also known as c.5509G>C), located in coding exon 22 of the WNK2 gene, results from a G to C substitution at nucleotide position 5509. The valine at codon 1837 is replaced by leucine, an amino acid with highly similar properties. This amino acid position is conserved. In addition, this alteration is predicted to be tolerated by in silico analysis. Based on the available evidence, the clinical significance of this variant remains unclear.

NM_006648.4(WNK2):c.5509G>C (p.Val1837Leu)

Gene: WNK2 (WNK lysine deficient protein kinase 2; plus strand). Cytogenetic location: 9q22.31.
Variant type: single nucleotide variant.
Coding change: c.5509G>C on transcript NM_006648.4 (MANE Select); coding-DNA position 5509, G replaced by C.
Protein change: p.Val1837Leu; replaces valine 1837 with leucine.
Molecular consequence: missense variant.
Genome position (GRCh38, 1-based): chr9:93,292,974, G>C. VCF-style: chr9-93292974-G-C. GRCh37 (hg19) VCF-style: chr9-96055256-G-C.
Other names: c.5620G>C, p.Val1874Leu (NM_001282394.3); short protein forms V1874L, V1837L.
Identifiers: ClinVar variation 4201513 (VCV004201513.1).